The following is an entry in ClinVar:

ClinVar aggregate classification (germline): Conflicting classifications of pathogenicity. Review status: criteria provided, conflicting classifications (1 of 4 stars). 3 submissions from 3 submitters: Uncertain significance (1); Likely benign (1). 1 of the submissions does not count toward it. Last evaluated 2025-11-20.

Conditions:
SLC24A5-related disorder. Also called: SLC24A5-related condition.

Allele frequency attached by ClinVar (database versions not stated): ExAC 0.00007; gnomAD exomes 0.00007; ESP Exome Variant Server 0.00008; gnomAD 0.00008 and 0.00011; TOPMed 0.00009.
gnomAD v4.1: 129 of 1,612,476 alleles (0.008%); highest among the groups gnomAD compares: Middle Eastern, 0.05%; no homozygotes.

Submissions (3):

Labcorp Genetics (formerly Invitae), Labcorp
Classification: Likely benign. Last evaluated: 2025-11-20. Review status: criteria provided, single submitter. Criteria: Invitae Variant Classification Sherloc (09022015). Collection method: clinical testing. Allele origin: germline.

Eurofins Ntd Llc (ga)
Classification: Uncertain significance. Last evaluated: 2015-11-23. Review status: criteria provided, single submitter. Criteria: EGL Classification Definitions 2015. Collection method: clinical testing. Allele origin: germline. Observed: 1 variant allele, 1 heterozygote.

PreventionGenetics, part of Exact Sciences
Classification: Likely benign for SLC24A5-related condition. Last evaluated: 2020-02-27. Review status: no assertion criteria provided. Collection method: clinical testing. Allele origin: germline. Not counted in ClinVar's aggregate classification.
Comment: This variant is classified as likely benign based on ACMG/AMP sequence variant interpretation guidelines (Richards et al. 2015 PMID: 25741868, with internal and published modifications).

NM_205850.3(SLC24A5):c.534G>A (p.Ala178=)

Genes: MYEF2 (myelin expression factor 2; minus strand), SLC24A5 (solute carrier family 24 member 5; plus strand). Cytogenetic location: 15q21.1.
Variant type: single nucleotide variant.
Coding change: c.534G>A on transcript NM_205850.3 (MANE Select); coding-DNA position 534, G replaced by A.
Protein change: p.Ala178=; no amino-acid change (alanine 178 retained).
Molecular consequence: synonymous variant. On other transcripts: 3 prime UTR variant (2).
Genome position (GRCh38, 1-based): chr15:48,134,928, G>A. VCF-style: chr15-48134928-G-A. GRCh37 (hg19) VCF-style: chr15-48427125-G-A.
Other names: c.*7980C>T (NM_001301210.2, NM_016132.5).
Identifiers: ClinVar variation 284318 (VCV000284318.15), dbSNP rs138902406, ClinGen allele CA7545905.